The following is an entry in ClinVar:

NM_003922.4(HERC1):c.2092G>A (p.Gly698Ser)

Gene: HERC1 (HECT and RLD domain containing E3 ubiquitin protein ligase family member 1; minus strand). Cytogenetic location: 15q22.31.
Variant type: single nucleotide variant.
Coding change: c.2092G>A on transcript NM_003922.4 (MANE Select); coding-DNA position 2092, G replaced by A.
Protein change: p.Gly698Ser; replaces glycine 698 with serine.
Molecular consequence: missense variant.
Genome position (GRCh38, 1-based): chr15:63,749,494, C>T on the plus strand (G>A on the coding strand, the complement: HERC1 is on the minus strand). VCF-style: chr15-63749494-C-T. GRCh37 (hg19) VCF-style: chr15-64041693-C-T.
Other names: short protein forms G698S.
Identifiers: ClinVar variation 4540328 (VCV004540328.1).

ClinVar aggregate classification (germline): Uncertain significance (1 of 4 stars; one submission).

gnomAD v4.1: 2 of 1,613,522 alleles (0.00012%); highest among the groups gnomAD compares: Non-Finnish European, 0.00017%; no homozygotes.

Submission:

GeneDx
Classification: Uncertain significance. Last evaluated: 2025-06-26. Review status: criteria provided, single submitter. Criteria: GeneDx Variant Classification Process June 2021. Collection method: clinical testing. Allele origin: germline. Affected: yes.
Comment: Not observed at significant frequency in large population cohorts (gnomAD); In silico analysis supports that this missense variant has a deleterious effect on protein structure/function; Has not been previously published as pathogenic or benign to our knowledge